The following is an entry in ClinVar:

NM_001018005.2(TPM1):c.274A>G (p.Ile92Val)

Gene: TPM1 (tropomyosin 1; plus strand). Cytogenetic location: 15q22.2.
Variant type: single nucleotide variant.
Coding change: c.274A>G on transcript NM_001018005.2 (MANE Select); coding-DNA position 274, A replaced by G.
Protein change: p.Ile92Val; replaces isoleucine 92 with valine.
Molecular consequence: missense variant. On other transcripts: non-coding transcript variant (17).
Genome position (GRCh38, 1-based): chr15:63,057,018, A>G. VCF-style: chr15-63057018-A-G. GRCh37 (hg19) VCF-style: chr15-63349217-A-G.
Other names: c.400A>G, p.Ile134Val (NM_001407323.1, NM_001407324.1, NM_001365778.1 and 1 more transcripts); c.274A>G, p.Ile92Val (NM_001407325.1, NM_001407326.1, NM_001407327.1 and 20 more transcripts); c.166A>G, p.Ile56Val (NM_001407340.1, NM_001407341.1, NM_001407342.1 and 9 more transcripts); short protein forms I134V, I56V, I92V.
Identifiers: ClinVar variation 3073286 (VCV003073286.1), dbSNP rs2542720014, ClinGen allele CA392720718.

ClinVar aggregate classification (germline): Uncertain significance (1 of 4 stars; one submission).

Conditions:
Hypertrophic cardiomyopathy. Also called: HYPERTROPHIC MYOCARDIOPATHY. Identifiers: Orphanet 217569, MedGen C0007194, MeSH D002312, MONDO:0005045, HP:0001639.

Submission:

All of Us Research Program, National Institutes of Health
Classification: Uncertain significance for Hypertrophic cardiomyopathy. Last evaluated: 2023-09-04. Review status: criteria provided, single submitter. Criteria: ACMG Guidelines, 2015. Collection method: clinical testing. Allele origin: germline. Inheritance: Autosomal dominant inheritance. Observed: 1 variant allele, 1 heterozygote.
Comment: This missense variant replaces isoleucine with valine at codon 92 of the TPM1 protein. Computational prediction is inconclusive regarding the impact of this variant on protein structure and function (internally defined REVEL score threshold 0.5 < inconclusive < 0.7, PMID: 27666373). To our knowledge, functional studies have not been reported for this variant. This variant has not been reported in individuals affected with TPM1-related disorders in the literature. This variant has not been identified in the general population by the Genome Aggregation Database (gnomAD). The available evidence is insufficient to determine the role of this variant in disease conclusively. Therefore, this variant is classified as a Variant of Uncertain Significance.

This study involves interpretation of variants in research participants for the purpose of population health screening. Participant phenotype was not available at the time of variant classification. Additional details can be found in publication PMID: 35346344, PMCID: PMC8962531